The following is an entry in ClinVar:

ClinVar aggregate classification (germline): Uncertain significance (1 of 4 stars; one submission).

Conditions:
Gorlin syndrome. Also called: Basal cell nevus syndrome; Nevoid Basal Cell Carcinoma Syndrome. Identifiers: Orphanet 377, MedGen C0004779, MONDO:0007187.

Allele frequency attached by ClinVar (database versions not stated): ExAC 0.00002; gnomAD exomes 0.00002; ESP Exome Variant Server 0.00008.
gnomAD v4.1: 22 of 1,614,186 alleles (0.0014%); highest among the groups gnomAD compares: Non-Finnish European, 0.0019%; no homozygotes.

Submission:

Labcorp Genetics (formerly Invitae), Labcorp
Classification: Uncertain significance for Gorlin syndrome. Last evaluated: 2021-12-19. Review status: criteria provided, single submitter. Criteria: Invitae Variant Classification Sherloc (09022015). Collection method: clinical testing. Allele origin: germline.
Comment: This variant is present in population databases (rs376362870, gnomAD 0.004%). In summary, the available evidence is currently insufficient to determine the role of this variant in disease. Therefore, it has been classified as a Variant of Uncertain Significance. Algorithms developed to predict the effect of missense changes on protein structure and function are either unavailable or do not agree on the potential impact of this missense change (SIFT: "Tolerated"; PolyPhen-2: "Possibly Damaging"; Align-GVGD: "Class C0"). ClinVar contains an entry for this variant (Variation ID: 960013). This variant has not been reported in the literature in individuals affected with PTCH2-related conditions. This sequence change replaces alanine, which is neutral and non-polar, with aspartic acid, which is acidic and polar, at codon 68 of the PTCH2 protein (p.Ala68Asp).

NM_003738.5(PTCH2):c.203C>A (p.Ala68Asp)

Gene: PTCH2 (patched 2; minus strand). Cytogenetic location: 1p34.1.
Variant type: single nucleotide variant.
Coding change: c.203C>A on transcript NM_003738.5 (MANE Select); coding-DNA position 203, C replaced by A.
Protein change: p.Ala68Asp; replaces alanine 68 with aspartic acid.
Molecular consequence: missense variant.
Genome position (GRCh38, 1-based): chr1:44,841,909, G>T on the plus strand (C>A on the coding strand, the complement: PTCH2 is on the minus strand). VCF-style: chr1-44841909-G-T. GRCh37 (hg19) VCF-style: chr1-45307581-G-T.
Other names: c.203C>A, p.Ala68Asp (NM_001166292.2); short protein forms A68D.
Identifiers: ClinVar variation 960013 (VCV000960013.8), dbSNP rs376362870, ClinGen allele CA823722.
Genomic context (GRCh38, chr1:44,841,909, plus strand): 5'-TCTACCCAGAGCTGTTCCAAGTTTGTCTCAATAATGGCCATGCGGAGACCTAATGCCAGG[G>T]CCCCAAAGGCCAACAGTCCCAGAAAGAGCACTTTGCCACAATGTCTCTGGATCCCGCATC-3'
Protein context (NP_003729.3, residues 58-78): VLFLGLLAFG[Ala68Asp]LALGLRMAII